The following is an entry in ClinVar:

NM_000135.4(FANCA):c.4304C>G (p.Ala1435Gly)

Genes: ZNF276 (zinc finger protein 276; plus strand), FANCA (FA complementation group A; minus strand). Cytogenetic location: 16q24.3.
Variant type: single nucleotide variant.
Coding change: c.4304C>G on transcript NM_000135.4 (MANE Select); coding-DNA position 4304, C replaced by G.
Protein change: p.Ala1435Gly; replaces alanine 1435 with glycine.
Molecular consequence: missense variant. On other transcripts: 3 prime UTR variant (3), non-coding transcript variant (4).
Genome position (GRCh38, 1-based): chr16:89,738,665, G>C on the plus strand (C>G on the coding strand, the complement: FANCA is on the minus strand). VCF-style: chr16-89738665-G-C. GRCh37 (hg19) VCF-style: chr16-89805073-G-C.
Other names: c.*33C>G (NM_001286167.3); c.*419G>C (NM_001113525.2, NM_152287.4); c.4304C>G (NM_000135.3); short protein forms A1435G.
Identifiers: ClinVar variation 3512660 (VCV003512660.3).

ClinVar aggregate classification (germline): Uncertain significance. Review status: criteria provided, multiple submitters, no conflicts (2 of 4 stars). 3 submissions from 3 submitters: Uncertain significance (2). 1 of the submissions does not count toward it. Last evaluated 2024-11-24.

Conditions:
Inborn genetic diseases. Identifiers: MedGen C0950123, MeSH D030342.
Fanconi anemia complementation group A (FANCA). Also called: FANCA-Related Fanconi Anemia; Fanconi anemia, group A. Identifiers: Orphanet 84, MedGen C3469521, MONDO:0009215, OMIM 227650.
Fanconi anemia (FA). Also called: Fanconi's anemia. Identifiers: Orphanet 84, MedGen C0015625, MeSH D005199, MONDO:0019391.

gnomAD v4.1: 2 of 1,613,706 alleles (0.00012%); highest among the groups gnomAD compares: Middle Eastern, 0.017%; no homozygotes.

Submissions (3):

Ambry Genetics
Classification: Uncertain significance for Inborn genetic diseases. Last evaluated: 2024-11-24. Review status: criteria provided, single submitter. Criteria: Ambry Variant Classification Scheme 2023. Collection method: clinical testing. Allele origin: germline.
Comment: The p.A1435G variant (also known as c.4304C>G), located in coding exon 43 of the FANCA gene, results from a C to G substitution at nucleotide position 4304. The alanine at codon 1435 is replaced by glycine, an amino acid with similar properties. This amino acid position is conserved. In addition, the in silico prediction for this alteration is inconclusive. Based on the available evidence, the clinical significance of this variant remains unclear.

Fulgent Genetics
Classification: Uncertain significance for Fanconi anemia complementation group A. Last evaluated: 2024-06-18. Review status: criteria provided, single submitter. Criteria: ACMG Guidelines, 2015. Collection method: clinical testing. Allele origin: germline.

Natera, Inc.
Classification: Uncertain significance for Fanconi anemia. Last evaluated: 2025-03-24. Review status: no assertion criteria provided. Collection method: clinical testing. Allele origin: germline. Not counted in ClinVar's aggregate classification.